The following is an entry in ClinVar:

NM_025099.6(CTC1):c.3600T>C (p.Ser1200=)

Gene: CTC1 (CST telomere replication complex component 1; minus strand). Cytogenetic location: 17p13.1.
Variant type: single nucleotide variant.
Coding change: c.3600T>C on transcript NM_025099.6 (MANE Select); coding-DNA position 3600, T replaced by C.
Protein change: p.Ser1200=; no amino-acid change (serine 1200 retained).
Molecular consequence: synonymous variant. On other transcripts: non-coding transcript variant (1).
Genome position (GRCh38, 1-based): chr17:8,228,234, A>G on the plus strand (T>C on the coding strand, the complement: CTC1 is on the minus strand). VCF-style: chr17-8228234-A-G. GRCh37 (hg19) VCF-style: chr17-8131552-A-G.
Identifiers: ClinVar variation 701370 (VCV000701370.13), dbSNP rs761178911, ClinGen allele CA8371702.
Genomic context (GRCh38, chr17:8,228,234, plus strand): 5'-GTTCAGTTAACAGGAGGAAGCAAGGATCCCCAGAGAGCTGGAGTACTCTGACTCTCGGAT[A>G]GAAAGGCAGGACAATCGGAGCCTGGGGTTCACGTGAGTCAGGAAAGGGAGCTCTCCACAC-3'
Protein context (NP_079375.3, residues 1190-1210): VNPRLRLSCL[Ser1200=]IRESEYSSSL

ClinVar aggregate classification (germline): Likely benign. Review status: criteria provided, multiple submitters, no conflicts (2 of 4 stars). 3 submissions from 3 submitters: Likely benign (2). 1 of the submissions does not count toward it. Last evaluated 2026-01-26.

Conditions:
CTC1-related disorder. Also called: CTC1-related condition.
Dyskeratosis congenita. Identifiers: Orphanet 1775, MedGen C0265965, MONDO:0015780.

Allele frequency attached by ClinVar (database versions not stated): gnomAD exomes 0.00005 and 0.00007; TOPMed 0.00006; ExAC 0.00007; gnomAD 0.00011.
gnomAD v4.1: 89 of 1,614,038 alleles (0.0055%); highest among the groups gnomAD compares: South Asian, 0.029%; 1 homozygote.

Submissions (3):

Labcorp Genetics (formerly Invitae), Labcorp
Classification: Likely benign for Dyskeratosis congenita. Last evaluated: 2026-01-26. Review status: criteria provided, single submitter. Criteria: Invitae Variant Classification Sherloc (09022015). Collection method: clinical testing. Allele origin: germline.

Blueprint Genetics
Classification: Likely benign. Last evaluated: 2023-06-20. Review status: criteria provided, single submitter. Criteria: ACMG Guidelines, 2015. Collection method: clinical testing. Allele origin: germline.

PreventionGenetics, part of Exact Sciences
Classification: Likely benign for CTC1-related condition. Last evaluated: 2019-09-05. Review status: no assertion criteria provided. Collection method: clinical testing. Allele origin: germline. Not counted in ClinVar's aggregate classification.
Comment: This variant is classified as likely benign based on ACMG/AMP sequence variant interpretation guidelines (Richards et al. 2015 PMID: 25741868, with internal and published modifications).